The following is an entry in ClinVar:

ClinVar aggregate classification (germline): Uncertain significance (1 of 4 stars; one submission).

Conditions:
Brugada syndrome. Also called: Sudden unexpected nocturnal death syndrome; Sudden Unexplained Nocturnal Death Syndrome (SUNDS); Sudden unexplained nocturnal death syndrome; Sudden Unexplained Death Syndrome. Identifiers: Orphanet 130, MedGen C1142166, MONDO:0015263.

gnomAD v4.1: 1 of 1,614,190 alleles (0.000062%); no homozygotes.

Submission:

Labcorp Genetics (formerly Invitae), Labcorp
Classification: Uncertain significance for Brugada syndrome. Last evaluated: 2025-05-14. Review status: criteria provided, single submitter. Criteria: Invitae Variant Classification Sherloc (09022015). Collection method: clinical testing. Allele origin: germline.
Comment: This sequence change replaces phenylalanine, which is neutral and non-polar, with serine, which is neutral and polar, at codon 1197 of the SCN10A protein (p.Phe1197Ser). This variant is not present in population databases (gnomAD no frequency). This variant has not been reported in the literature in individuals affected with SCN10A-related conditions. Invitae Evidence Modeling of protein sequence and biophysical properties (such as structural, functional, and spatial information, amino acid conservation, physicochemical variation, residue mobility, and thermodynamic stability) indicates that this missense variant is expected to disrupt SCN10A protein function with a positive predictive value of 80%. In summary, the available evidence is currently insufficient to determine the role of this variant in disease. Therefore, it has been classified as a Variant of Uncertain Significance.

NM_006514.4(SCN10A):c.3590T>C (p.Phe1197Ser)

Gene: SCN10A (sodium voltage-gated channel alpha subunit 10; minus strand). Cytogenetic location: 3p22.2.
Variant type: single nucleotide variant.
Coding change: c.3590T>C on transcript NM_006514.4 (MANE Select); coding-DNA position 3590, T replaced by C.
Protein change: p.Phe1197Ser; replaces phenylalanine 1197 with serine.
Molecular consequence: missense variant.
Genome position (GRCh38, 1-based): chr3:38,718,744, A>G on the plus strand (T>C on the coding strand, the complement: SCN10A is on the minus strand). VCF-style: chr3-38718744-A-G. GRCh37 (hg19) VCF-style: chr3-38760235-A-G.
Other names: c.3587T>C, p.Phe1196Ser (NM_001293306.2); c.3296T>C, p.Phe1099Ser (NM_001293307.2); short protein forms F1197S, F1099S, F1196S.
Identifiers: ClinVar variation 4726542 (VCV004726542.1).